The following is an entry in ClinVar:

ClinVar aggregate classification (germline): Uncertain significance (1 of 4 stars; one submission).

Submission:

GeneDx
Classification: Uncertain significance. Last evaluated: 2023-11-09. Review status: criteria provided, single submitter. Criteria: GeneDx Variant Classification Process June 2021. Collection method: clinical testing. Allele origin: germline. Affected: yes.
Comment: Not observed at significant frequency in large population cohorts (gnomAD); In silico analysis supports that this missense variant does not alter protein structure/function; Has not been previously published as pathogenic or benign to our knowledge

NM_014233.4(UBTF):c.443A>G (p.Lys148Arg)

Genes: ATXN7L3-AS1 (ATXN7L3 antisense RNA 1; plus strand), UBTF (upstream binding transcription factor; minus strand). Cytogenetic location: 17q21.31.
Variant type: single nucleotide variant.
Coding change: c.443A>G on transcript NM_014233.4 (MANE Select); coding-DNA position 443, A replaced by G.
Protein change: p.Lys148Arg; replaces lysine 148 with arginine.
Molecular consequence: missense variant. On other transcripts: non-coding transcript variant (1).
Genome position (GRCh38, 1-based): chr17:44,215,685, T>C on the plus strand (A>G on the coding strand, the complement: UBTF is on the minus strand). VCF-style: chr17-44215685-T-C. GRCh37 (hg19) VCF-style: chr17-42293053-T-C.
Other names: c.443A>G, p.Lys148Arg (NM_001076683.2, NM_001076684.3); short protein forms K148R.
Identifiers: ClinVar variation 3363999 (VCV003363999.1).
Genomic context (GRCh38, chr17:44,215,685, plus strand): 5'-TCCTCCCACCTTAACTCTCCTCCCCCCACCTTCTTCTTCTCCGGAAGCTCCTTGTATTTC[T>C]TGGACAGAATCTTGGTTAGGTCCAGGTTGCTCATCTCAGGGTGGAGTTTCGCATACTTGG-3'
Protein context (NP_055048.1, residues 138-158): SNLDLTKILS[Lys148Arg]KYKELPEKKK